The following is an entry in ClinVar:

ClinVar aggregate classification (germline): Uncertain significance (1 of 4 stars; one submission).

Submission:

Women's Health and Genetics/Laboratory Corporation of America, LabCorp
Classification: Uncertain significance. Last evaluated: 2025-06-10. Review status: criteria provided, single submitter. Criteria: LabCorp Variant Classification Summary - May 2015. Collection method: clinical testing. Allele origin: germline.
Comment: Variant summary: SPTAN1 c.1799C>T (p.Ala600Val) results in a non-conservative amino acid change in the encoded protein sequence. Algorithms developed to predict the effect of missense changes on protein structure and function are either unavailable or do not agree on the potential impact of this missense change. The variant was absent in 251078 control chromosomes (gnomAD). The available data on variant occurrences in the general population are insufficient to allow any conclusion about variant significance. To our knowledge, no occurrence of c.1799C>T in individuals affected with Epileptic Encephalopathy, Early Infantile, 5 and no experimental evidence demonstrating its impact on protein function have been reported. No submitters have cited clinical-significance assessments for this variant to ClinVar. Based on the evidence outlined above, the variant was classified as uncertain significance.

NM_001130438.3(SPTAN1):c.1799C>T (p.Ala600Val)

Gene: SPTAN1 (spectrin alpha, non-erythrocytic 1; plus strand). Cytogenetic location: 9q34.11.
Variant type: single nucleotide variant.
Coding change: c.1799C>T on transcript NM_001130438.3 (MANE Select); coding-DNA position 1799, C replaced by T.
Protein change: p.Ala600Val; replaces alanine 600 with valine.
Molecular consequence: missense variant.
Genome position (GRCh38, 1-based): chr9:128,582,842, C>T. VCF-style: chr9-128582842-C-T. GRCh37 (hg19) VCF-style: chr9-131345121-C-T.
Other names: c.1799C>T, p.Ala600Val (NM_001195532.2, NM_001363759.2, NM_001363765.2 and 5 more transcripts); c.1835C>T, p.Ala612Val (NM_001375312.2, NM_001375318.1); short protein forms A600V, A612V.
Identifiers: ClinVar variation 3907237 (VCV003907237.1).
Genomic context (GRCh38, chr9:128,582,842, plus strand): 5'-GTGATTCTGATGAGCTCAAGAGTTGGGTCAATGAGAAGATGAAAACTGCCACAGATGAAG[C>T]TTATAAAGTAATGTACTGTTAGTGTTGCCATGTAGCACTCGATTAGTAAGCTAAACACAG-3'
Protein context (NP_001123910.1, residues 590-610): NEKMKTATDE[Ala600Val]YKDPSNLQGK